The following is an entry in ClinVar:

ClinVar aggregate classification (germline): Uncertain significance. Review status: criteria provided, multiple submitters, no conflicts (2 of 4 stars). 3 submissions from 3 submitters: Uncertain significance (3). Last evaluated 2026-02-03.

Conditions:
Hereditary cancer-predisposing syndrome. Also called: Neoplastic Syndromes, Hereditary; Tumor predisposition; Hereditary Cancer Syndrome; Hereditary neoplastic syndrome. Identifiers: Orphanet 140162, MedGen C0027672, MeSH D009386, MONDO:0015356.
Facial dysmorphism-immunodeficiency-livedo-short stature syndrome. Also called: Facial dysmorphism, immunodeficiency, livedo, and short stature; FILS syndrome. Identifiers: Orphanet 352712, MedGen C3554576, MONDO:0014058, OMIM 615139.
Intrauterine growth retardation, metaphyseal dysplasia, adrenal hypoplasia congenita, genital anomalies, and immunodeficiency. Also called: IMAGEI SYNDROME. Identifiers: MedGen C5193036, MONDO:0032684, OMIM 618336.
Colorectal cancer, susceptibility to, 12 (CRCS12). Also called: COLORECTAL CANCER, SUSCEPTIBILITY TO, ON CHROMOSOME 12q24. Identifiers: Orphanet 220460, MedGen C3554460, MONDO:0014038, OMIM 615083.

Allele frequency attached by ClinVar (database versions not stated): TOPMed below 0.00001; gnomAD 0.00001; gnomAD exomes 0.00001; ExAC 0.00002; 1000 Genomes Project 30x 0.00016; 1000 Genomes Project 0.00020.
gnomAD v4.1: 17 of 1,612,786 alleles (0.0011%); highest among the groups gnomAD compares: South Asian, 0.0055%; no homozygotes.

Submissions (3):

Labcorp Genetics (formerly Invitae), Labcorp
Classification: Uncertain significance. Last evaluated: 2026-02-03. Review status: criteria provided, single submitter. Criteria: Invitae Variant Classification Sherloc (09022015). Collection method: clinical testing. Allele origin: germline.
Comment: This sequence change replaces glycine, which is neutral and non-polar, with serine, which is neutral and polar, at codon 1343 of the POLE protein (p.Gly1343Ser). This variant is present in population databases (rs556821288, gnomAD 0.003%). This variant has not been reported in the literature in individuals affected with POLE-related conditions. ClinVar contains an entry for this variant (Variation ID: 473636). Invitae Evidence Modeling of protein sequence and biophysical properties (such as structural, functional, and spatial information, amino acid conservation, physicochemical variation, residue mobility, and thermodynamic stability) has been performed for this missense variant. However, the output from this modeling did not meet the statistical confidence thresholds required to predict the impact of this variant on POLE protein function. In summary, the available evidence is currently insufficient to determine the role of this variant in disease. Therefore, it has been classified as a Variant of Uncertain Significance.

Ambry Genetics
Classification: Uncertain significance for Hereditary cancer-predisposing syndrome. Last evaluated: 2024-12-12. Review status: criteria provided, single submitter. Criteria: Ambry Variant Classification Scheme 2023. Collection method: clinical testing. Allele origin: germline.
Comment: The p.G1343S variant (also known as c.4027G>A), located in coding exon 32 of the POLE gene, results from a G to A substitution at nucleotide position 4027. The glycine at codon 1343 is replaced by serine, an amino acid with similar properties. This amino acid position is highly conserved in available vertebrate species. In addition, the in silico prediction for this alteration is inconclusive. Based on the available evidence, the clinical significance of this variant remains unclear.

Fulgent Genetics
Classification: Uncertain significance for Colorectal cancer, susceptibility to, 12; Facial dysmorphism-immunodeficiency-livedo-short stature syndrome; Intrauterine growth retardation, metaphyseal dysplasia, adrenal hypoplasia congenita, genital anomalies, and immunodeficiency. Last evaluated: 2024-06-11. Review status: criteria provided, single submitter. Criteria: ACMG Guidelines, 2015. Collection method: clinical testing. Allele origin: germline.

NM_006231.4(POLE):c.4027G>A (p.Gly1343Ser)

Gene: POLE (DNA polymerase epsilon, catalytic subunit; minus strand). Cytogenetic location: 12q24.33.
Variant type: single nucleotide variant.
Coding change: c.4027G>A on transcript NM_006231.4 (MANE Select); coding-DNA position 4027, G replaced by A.
Protein change: p.Gly1343Ser; replaces glycine 1343 with serine.
Molecular consequence: missense variant.
Genome position (GRCh38, 1-based): chr12:132,649,051, C>T on the plus strand (G>A on the coding strand, the complement: POLE is on the minus strand). VCF-style: chr12-132649051-C-T. GRCh37 (hg19) VCF-style: chr12-133225637-C-T.
Other names: c.4027G>A (NM_006231.2); short protein forms G1343S.
Identifiers: ClinVar variation 473636 (VCV000473636.11), dbSNP rs556821288, ClinGen allele CA6893014.